The following is an entry in ClinVar:

NM_001184880.2(PCDH19):c.2012C>A (p.Ser671Ter)

Gene: PCDH19 (protocadherin 19; minus strand). Cytogenetic location: Xq22.1.
Variant type: single nucleotide variant.
Coding change: c.2012C>A on transcript NM_001184880.2 (MANE Select); coding-DNA position 2012, C replaced by A.
Protein change: p.Ser671Ter; replaces serine 671 with a stop codon.
Molecular consequence: nonsense.
Genome position (GRCh38, 1-based): chrX:100,406,586, G>T on the plus strand (C>A on the coding strand, the complement: PCDH19 is on the minus strand). VCF-style: chrX-100406586-G-T. GRCh37 (hg19) VCF-style: chrX-99661584-G-T.
Other names: c.2012C>A, p.Ser671Ter (NM_001105243.2, NM_020766.3); short protein forms S671*.
Identifiers: ClinVar variation 2700847 (VCV002700847.3), dbSNP rs132630325, ClinGen allele CA414001481.

ClinVar aggregate classification (germline): Pathogenic (1 of 4 stars; one submission).

Conditions:
Developmental and epileptic encephalopathy, 9 (DEE9). Also called: Early infantile epileptic encephalopathy 9; JUBERG-HELLMAN SYNDROME; PCDH19-Related X-Linked Female-Limited Epilepsy with Mental Retardation; EPILEPSY, FEMALE-RESTRICTED, WITH MENTAL RETARDATION. Identifiers: Orphanet 101039, Orphanet 2076, MedGen C1848137, MONDO:0010246, OMIM 300088. Disease mechanism: loss of function.

Submission:

Labcorp Genetics (formerly Invitae), Labcorp
Classification: Pathogenic for Developmental and epileptic encephalopathy, 9. Last evaluated: 2023-12-04. Review status: criteria provided, single submitter. Criteria: Invitae Variant Classification Sherloc (09022015). Collection method: clinical testing. Allele origin: germline.
Comment: This sequence change creates a premature translational stop signal (p.Ser671*) in the PCDH19 gene. It is expected to result in an absent or disrupted protein product. Loss-of-function variants in PCDH19 are known to be pathogenic (PMID: 21053371). This variant is not present in population databases (gnomAD no frequency). This variant has not been reported in the literature in individuals affected with PCDH19-related conditions. For these reasons, this variant has been classified as Pathogenic.

Literature cited by the submitters: PubMed 21053371.